The following is an entry in ClinVar:

NM_000441.2(SLC26A4):c.1370A>G (p.Asn457Ser)

Gene: SLC26A4 (solute carrier family 26 member 4; plus strand). Cytogenetic location: 7q22.3.
Variant type: single nucleotide variant.
Coding change: c.1370A>G on transcript NM_000441.2 (MANE Select); coding-DNA position 1370, A replaced by G.
Protein change: p.Asn457Ser; replaces asparagine 457 with serine.
Molecular consequence: missense variant.
Genome position (GRCh38, 1-based): chr7:107,694,649, A>G. VCF-style: chr7-107694649-A-G. GRCh37 (hg19) VCF-style: chr7-107335094-A-G.
Other names: short protein forms N457S.
Identifiers: ClinVar variation 2778550 (VCV002778550.3), dbSNP rs1482605370, ClinGen allele CA368840605.

ClinVar aggregate classification (germline): Likely pathogenic (1 of 4 stars; one submission).

Allele frequency attached by ClinVar (database versions not stated): gnomAD exomes 0.00001.
gnomAD v4.1: 9 of 1,613,746 alleles (0.00056%); highest among the groups gnomAD compares: South Asian, 0.0055%; no homozygotes.

Submission:

Labcorp Genetics (formerly Invitae), Labcorp
Classification: Likely pathogenic. Last evaluated: 2023-11-24. Review status: criteria provided, single submitter. Criteria: Invitae Variant Classification Sherloc (09022015). Collection method: clinical testing. Allele origin: germline.
Comment: This sequence change replaces asparagine, which is neutral and polar, with serine, which is neutral and polar, at codon 457 of the SLC26A4 protein (p.Asn457Ser). This variant is not present in population databases (gnomAD no frequency). This variant has not been reported in the literature in individuals affected with SLC26A4-related conditions. Advanced modeling of protein sequence and biophysical properties (such as structural, functional, and spatial information, amino acid conservation, physicochemical variation, residue mobility, and thermodynamic stability) performed at Invitae indicates that this missense variant is expected to disrupt SLC26A4 protein function with a positive predictive value of 95%. This variant disrupts the p.Asn457 amino acid residue in SLC26A4. Other variant(s) that disrupt this residue have been determined to be pathogenic (PMID: 12676893, 20597900, 31599023). This suggests that this residue is clinically significant, and that variants that disrupt this residue are likely to be disease-causing. In summary, the currently available evidence indicates that the variant is pathogenic, but additional data are needed to prove that conclusively. Therefore, this variant has been classified as Likely Pathogenic.

Literature cited by the submitters: PubMed 12676893; PubMed 20597900; PubMed 31599023.